The following is an entry in ClinVar:

ClinVar aggregate classification (germline): Uncertain significance (1 of 4 stars; one submission).

Submission:

Labcorp Genetics (formerly Invitae), Labcorp
Classification: Uncertain significance. Last evaluated: 2023-06-27. Review status: criteria provided, single submitter. Criteria: Invitae Variant Classification Sherloc (09022015). Collection method: clinical testing. Allele origin: germline.
Comment: This variant is not present in population databases (gnomAD no frequency). This variant has not been reported in the literature in individuals affected with GEN1-related conditions. An algorithm developed to predict the effect of missense changes on protein structure and function (PolyPhen-2) suggests that this variant is likely to be disruptive. In summary, the available evidence is currently insufficient to determine the role of this variant in disease. Therefore, it has been classified as a Variant of Uncertain Significance. This sequence change replaces tyrosine, which is neutral and polar, with histidine, which is basic and polar, at codon 424 of the GEN1 protein (p.Tyr424His).

NM_001130009.3(GEN1):c.1270T>C (p.Tyr424His)

Gene: GEN1 (GEN1 structure-specific endonuclease; plus strand). Cytogenetic location: 2p24.2.
Variant type: single nucleotide variant.
Coding change: c.1270T>C on transcript NM_001130009.3 (MANE Select); coding-DNA position 1270, T replaced by C.
Protein change: p.Tyr424His; replaces tyrosine 424 with histidine.
Molecular consequence: missense variant.
Genome position (GRCh38, 1-based): chr2:17,779,983, T>C. VCF-style: chr2-17779983-T-C. GRCh37 (hg19) VCF-style: chr2-17961250-T-C.
Other names: c.1270T>C, p.Tyr424His (NM_182625.5); short protein forms Y424H.
Identifiers: ClinVar variation 2729929 (VCV002729929.3), dbSNP rs2545623014, ClinGen allele CA345923590.